The following is an entry in ClinVar:

NM_000173.7(GP1BA):c.746G>A (p.Gly249Asp)

Gene: GP1BA (glycoprotein Ib platelet subunit alpha; plus strand). Cytogenetic location: 17p13.2.
Variant type: single nucleotide variant.
Coding change: c.746G>A on transcript NM_000173.7 (MANE Select); coding-DNA position 746, G replaced by A.
Protein change: p.Gly249Asp; replaces glycine 249 with aspartic acid.
Molecular consequence: missense variant.
Genome position (GRCh38, 1-based): chr17:4,933,350, G>A. VCF-style: chr17-4933350-G-A. GRCh37 (hg19) VCF-style: chr17-4836645-G-A.
Other names: short protein forms G249D.
Identifiers: ClinVar variation 1677263 (VCV001677263.1), dbSNP rs121908062, ClinGen allele CA397318410.

ClinVar aggregate classification (germline): Pathogenic (1 of 4 stars; one submission).

Conditions:
Pseudo von Willebrand disease (VWDP). Also called: Platelet-type von Willebrand disease; BLEEDING DISORDER, PLATELET-TYPE, 3. Identifiers: Orphanet 52530, MedGen C1280798, MONDO:0008332, OMIM 177820.

gnomAD v4.1: 1 of 1,614,000 alleles (0.000062%); highest among the groups gnomAD compares: Non-Finnish European, 0.000085%; no homozygotes.

Submission:

ISTH-SSC Genomics in Thrombosis and Hemostasis, KU Leuven, Center for Molecular and Vascular Biology
Classification: Pathogenic for Pseudo von Willebrand disease. Review status: criteria provided, single submitter. Criteria: ACMG Guidelines, 2015. Collection method: clinical testing. Allele origin: paternal, maternal, unknown. Affected: yes. Observed: 7 heterozygotes.
Comment: GoldVariant submitter: Maha Othman for Department of Medicine, School of Medicine, Keio University, Japan; Institute of Clinical Pathology and Medical Research (ICPMR), Westmead Hospital, New South Wales, Australia; French National Reference Centre for Inherited Platelet Diseases, France

Literature cited by the submitters: PubMed 34355501.